The following is an entry in ClinVar:

NM_000420.3(KEL):c.832A>C (p.Ile278Leu)

Gene: KEL (Kell metallo-endopeptidase (Kell blood group); minus strand). Cytogenetic location: 7q34.
Variant type: single nucleotide variant.
Coding change: c.832A>C on transcript NM_000420.3 (MANE Select); coding-DNA position 832, A replaced by C.
Protein change: p.Ile278Leu; replaces isoleucine 278 with leucine.
Molecular consequence: missense variant.
Genome position (GRCh38, 1-based): chr7:142,954,276, T>G on the plus strand (A>C on the coding strand, the complement: KEL is on the minus strand). VCF-style: chr7-142954276-T-G. GRCh37 (hg19) VCF-style: chr7-142651363-T-G.
Other names: short protein forms I278L.
Identifiers: ClinVar variation 3237418 (VCV003237418.1), dbSNP rs150259463.

ClinVar aggregate classification (germline): Uncertain significance (1 of 4 stars; one submission).

Allele frequency attached by ClinVar (database versions not stated): ESP Exome Variant Server 0.00015.
gnomAD v4.1: 559 of 1,613,672 alleles (0.035%); highest among the groups gnomAD compares: Non-Finnish European, 0.046%; no homozygotes.

Submission:

Clinical Genomics Laboratory, Washington University in St. Louis
Classification: Uncertain significance. Last evaluated: 2024-05-09. Review status: criteria provided, single submitter. Criteria: ACMG Guidelines, 2015. Collection method: clinical testing. Allele origin: germline.
Comment: A KEL c.832A>C (p.Ile278Leu) variant was identified at a near heterozygous allelic fraction of 47.6%, a frequency which may be consistent with it being of germline origin. Computational predictors suggest that the variant does not impact KEL function. This variant is observed on 559/1,613,672 alleles in the general population (gnomAD v.4.1.0). The KEL c.832A>C (p.Ile278Leu) variant, to our knowledge, has not been reported in the medical literature. Due to limited information, and based on ACMG/AMP guidelines for variant interpretation (Richards S et al., PMID: 25741868), the clinical significance of this variant is uncertain at this time.